The following is an entry in ClinVar:

NM_021942.6(TRAPPC11):c.2458C>T (p.Pro820Ser)

Genes: TRAPPC11 (trafficking protein particle complex subunit 11; plus strand), LOC126807238 (BRD4-independent group 4 enhancer GRCh37_chr4:184614366-184615565; plus strand). Cytogenetic location: 4q35.1.
Variant type: single nucleotide variant.
Coding change: c.2458C>T on transcript NM_021942.6 (MANE Select); coding-DNA position 2458, C replaced by T.
Protein change: p.Pro820Ser; replaces proline 820 with serine.
Molecular consequence: missense variant.
Genome position (GRCh38, 1-based): chr4:183,693,988, C>T. VCF-style: chr4-183693988-C-T. GRCh37 (hg19) VCF-style: chr4-184615141-C-T.
Other names: c.2458C>T, p.Pro820Ser (NM_199053.3); short protein forms P820S.
Identifiers: ClinVar variation 939454 (VCV000939454.10), dbSNP rs767195120, ClinGen allele CA3152197.

ClinVar aggregate classification (germline): Uncertain significance (1 of 4 stars; one submission).

Conditions:
Autosomal recessive limb-girdle muscular dystrophy type R18 (LGMDR18). Also called: Limb-girdle muscular dystrophy, type 2S; MUSCULAR DYSTROPHY, LIMB-GIRDLE, AUTOSOMAL RECESSIVE 18; Autosomal recessive limb-girdle muscular dystrophy type 2S. Identifiers: Orphanet 369840, MedGen C4517996, MONDO:0014144, OMIM 615356.

Allele frequency attached by ClinVar (database versions not stated): gnomAD exomes 0.00001; ExAC 0.00001.
gnomAD v4.1: 19 of 1,614,034 alleles (0.0012%); highest among the groups gnomAD compares: Non-Finnish European, 0.0015%; no homozygotes.

Submission:

Labcorp Genetics (formerly Invitae), Labcorp
Classification: Uncertain significance for Autosomal recessive limb-girdle muscular dystrophy type R18. Last evaluated: 2023-05-08. Review status: criteria provided, single submitter. Criteria: Invitae Variant Classification Sherloc (09022015). Collection method: clinical testing. Allele origin: germline.
Comment: In summary, the available evidence is currently insufficient to determine the role of this variant in disease. Therefore, it has been classified as a Variant of Uncertain Significance. Advanced modeling of protein sequence and biophysical properties (such as structural, functional, and spatial information, amino acid conservation, physicochemical variation, residue mobility, and thermodynamic stability) performed at Invitae indicates that this missense variant is not expected to disrupt TRAPPC11 protein function. ClinVar contains an entry for this variant (Variation ID: 939454). This variant has not been reported in the literature in individuals affected with TRAPPC11-related conditions. This variant is present in population databases (rs767195120, gnomAD 0.003%). This sequence change replaces proline, which is neutral and non-polar, with serine, which is neutral and polar, at codon 820 of the TRAPPC11 protein (p.Pro820Ser).